The following is an entry in ClinVar:

ClinVar aggregate classification (germline): Uncertain significance. Review status: criteria provided, multiple submitters, no conflicts (2 of 4 stars). 3 submissions from 3 submitters: Uncertain significance (2). 1 of the submissions does not count toward it. Last evaluated 2024-04-05.

Conditions:
Polycystic kidney disease. Also called: Kidney, Polycystic; Polycystic kidney dysplasia. Identifiers: MedGen C0022680, MeSH D007690, MONDO:0020642, HP:0000113.
Polycystic kidney disease, adult type (PKD1). Also called: Polycystic Kidney Disease 1, Autosomal Dominant; Polycystic kidney disease 1; Polycystic kidney disease 1, severe; POLYCYSTIC KIDNEY DISEASE 1 WITH OR WITHOUT POLYCYSTIC LIVER DISEASE; POLYCYSTIC KIDNEY DISEASE, ADULT, TYPE I; Polycystic Kidney, Autosomal Dominant. Identifiers: MedGen C3149841, MONDO:0008263, OMIM 173900.

Allele frequency attached by ClinVar (database versions not stated): ExAC below 0.00001; gnomAD exomes 0.00001 and 0.00003; TOPMed 0.00002; gnomAD 0.00003.
gnomAD v4.1: 21 of 1,571,496 alleles (0.0013%); highest among the groups gnomAD compares: Middle Eastern, 0.022%; no homozygotes.

Submissions (3):

Fulgent Genetics
Classification: Uncertain significance for Polycystic kidney disease, adult type. Last evaluated: 2024-04-05. Review status: criteria provided, single submitter. Criteria: ACMG Guidelines, 2015. Collection method: clinical testing. Allele origin: germline.

Blueprint Genetics
Classification: Uncertain significance. Last evaluated: 2021-12-27. Review status: criteria provided, single submitter. Criteria: ACMG Guidelines, 2015. Collection method: clinical testing. Allele origin: germline.

Department of Pathology and Laboratory Medicine, Sinai Health System
Classification: Uncertain significance for Polycystic Kidney disease. Review status: no assertion criteria provided. Collection method: clinical testing. Allele origin: unknown. Affected: yes. Study: The Canadian Open Genetics Repository (COGR). Not counted in ClinVar's aggregate classification.
Comment: The PKD1 p.Arg2147Gln variant was identified in 1 of 296 proband chromosomes (frequency: 0.003) from individuals or families with ADPKD (Jin 2016). The variant was also identified in dbSNP (ID: rs771035065) as â€šÃ„ÃºNAâ€šÃ„Ã¹. The variant was not identified in ClinVar, Clinvitae, COGR, LOVD 3.0, ADPKD Mutation Database, or PKD1-LOVD databases. The variant was identified in control databases in 5 of 203890 chromosomes at a frequency of 0.00003 (Genome Aggregation Database Feb 27, 2017). The variant was observed in the following populations: Latino in 1 of 28640 chromosomes (freq: 0.00004), European Non-Finnish in 1 of 85446 chromosomes (freq: 0.00001), East Asian in 2 of 14052 chromosomes (freq: 0.0001), and South Asian in 1 of 24920 chromosomes (freq: 0.00004), while the variant was not observed in the African, Other, Ashkenazi Jewish, or Finnish populations. In addition we cannot be certain that data from control databases is specific to PKD1 and not from one of the six PKD1 pseudogenes. The p.Arg2147 residue is not conserved in mammals and computational analyses (PolyPhen-2, SIFT, AlignGVGD, BLOSUM, MutationTaster) do not suggest a high likelihood of impact to the protein. In addition, 2 of 5 in silico or computational prediction software programs (SpliceSiteFinder, MaxEntScan, NNSPLICE, GeneSplicer, HumanSpliceFinder) predict a greater than 10% difference in splicing; this information is not predictive enough to rule out pathogenicity. In summary, based on the above information the clinical significance of this variant cannot be determined with certainty at this time. This variant is classified as a variant of uncertain significance.

NM_001009944.3(PKD1):c.6440G>A (p.Arg2147Gln)

Gene: PKD1 (polycystin 1, transient receptor potential channel interacting; minus strand). Cytogenetic location: 16p13.3.
Variant type: single nucleotide variant.
Coding change: c.6440G>A on transcript NM_001009944.3 (MANE Select); coding-DNA position 6440, G replaced by A.
Protein change: p.Arg2147Gln; replaces arginine 2147 with glutamine.
Molecular consequence: missense variant.
Genome position (GRCh38, 1-based): chr16:2,108,727, C>T on the plus strand (G>A on the coding strand, the complement: PKD1 is on the minus strand). VCF-style: chr16-2108727-C-T. GRCh37 (hg19) VCF-style: chr16-2158728-C-T.
Other names: c.6440G>A, p.Arg2147Gln (NM_000296.4); short protein forms R2147Q.
Identifiers: ClinVar variation 997334 (VCV000997334.3), dbSNP rs771035065, ClinGen allele CA7831600.
Genomic context (GRCh38, chr16:2,108,727, plus strand): 5'-TTGCGCTGTGATCGCCGCATCAGCACCTGCAGGGGCAGGACCACGTCCACCTCCGGCTCC[C>T]GGCAGGCCAGCACCTGGACGGTCACCGTGGCCTGCGCCACGAAGAAGCTCACCAGGTTGG-3'
Protein context (NP_001009944.3, residues 2137-2157): ATVTVQVLAC[Arg2147Gln]EPEVDVVLPL